The following is an entry in ClinVar:

ClinVar aggregate classification (germline): Conflicting classifications of pathogenicity. Review status: criteria provided, conflicting classifications (1 of 4 stars). 3 submissions from 3 submitters: Uncertain significance (2); Likely benign (1). Last evaluated 2026-09-01.

Conditions:
Coffin-Siris syndrome 6. Identifiers: MedGen C4540499, MONDO:0033492, OMIM 617808.

Allele frequency attached by ClinVar (database versions not stated): gnomAD exomes 0.00008 and 0.00013; ExAC 0.00012; ESP Exome Variant Server 0.00015.
gnomAD v4.1: 150 of 1,605,608 alleles (0.0093%); highest among the groups gnomAD compares: Middle Eastern, 0.38%; no homozygotes.

Submissions (3):

CeGaT Center for Human Genetics Tuebingen
Classification: Likely benign. Last evaluated: 2026-09-01. Review status: criteria provided, single submitter. Criteria: CeGaT Center For Human Genetics Tuebingen Variant Classification Criteria Version 2. Collection method: clinical testing. Allele origin: germline. Affected: yes. Observed: 4 variant alleles.
Comment: ARID2: BP4

Dubai Health Genomic Medicine Center, Dubai Health
Classification: Uncertain significance for Coffin-Siris syndrome 6. Last evaluated: 2020-02-18. Review status: criteria provided, single submitter. Criteria: ACMG Guidelines, 2015. Collection method: clinical testing. Allele origin: germline. Affected: yes.

Breakthrough Genomics
Classification: Uncertain significance. Review status: criteria provided, single submitter. Criteria: ACMG Guidelines, 2015. Collection method: not provided. Allele origin: germline. Inheritance: Autosomal dominant inheritance. Affected: yes.

NM_152641.4(ARID2):c.4853C>A (p.Ser1618Tyr)

Gene: ARID2 (AT-rich interaction domain 2; plus strand). Cytogenetic location: 12q12.
Variant type: single nucleotide variant.
Coding change: c.4853C>A on transcript NM_152641.4 (MANE Select); coding-DNA position 4853, C replaced by A.
Protein change: p.Ser1618Tyr; replaces serine 1618 with tyrosine.
Molecular consequence: missense variant.
Genome position (GRCh38, 1-based): chr12:45,860,880, C>A. VCF-style: chr12-45860880-C-A. GRCh37 (hg19) VCF-style: chr12-46254663-C-A.
Other names: c.4853C>A, p.Ser1618Tyr (NM_001347839.2); short protein forms S1618Y.
Identifiers: ClinVar variation 1301817 (VCV001301817.27), dbSNP rs144553917, ClinGen allele CA6526741.